The following is an entry in ClinVar:

ClinVar aggregate classification (germline): Uncertain significance. Review status: criteria provided, multiple submitters, no conflicts (2 of 4 stars). 2 submissions from 2 submitters: Uncertain significance (2). Last evaluated 2023-09-13.

Conditions:
Hereditary cancer-predisposing syndrome. Also called: Tumor predisposition; Hereditary Cancer Syndrome; Neoplastic Syndromes, Hereditary; Hereditary neoplastic syndrome. Identifiers: Orphanet 140162, MedGen C0027672, MeSH D009386, MONDO:0015356.

Submissions (2):

Ambry Genetics
Classification: Uncertain significance for Hereditary cancer-predisposing syndrome. Last evaluated: 2023-09-13. Review status: criteria provided, single submitter. Criteria: Ambry Variant Classification Scheme 2023. Collection method: clinical testing. Allele origin: germline.
Comment: The c.9707_9715delAAAGGAAGTinsCAC variant (also known as p.K3236_S3239delinsTP), located in coding exon 26 of the BRCA2 gene, results from an in-frame deletion of AAAGGAAGT and insertion of CAC at nucleotide positions 9707 to 9715. This results in the deletion of a lysine, arginine, lysine, and serine and insertion of a threonine and proline at codons 3236 to 3239. This amino acid region is poorly conserved in available vertebrate species. Since supporting evidence is limited at this time, the clinical significance of this alteration remains unclear.

GeneDx
Classification: Uncertain significance. Last evaluated: 2021-03-30. Review status: criteria provided, single submitter. Criteria: GeneDx Variant Classification Process June 2021. Collection method: clinical testing. Allele origin: germline. Affected: yes.
Comment: In-frame deletion of 4 amino acids and insertion of 2 amino acids in a non-repeat region; Not observed in large population cohorts (Lek 2016); Has not been previously published as pathogenic or benign to our knowledge

NM_000059.4(BRCA2):c.9707_9715delinsCAC (p.Lys3236_Ser3239delinsThrPro)

Gene: BRCA2 (BRCA2 DNA repair associated; plus strand). Cytogenetic location: 13q13.1.
Variant type: Indel.
Coding change: c.9707_9715delinsCAC on transcript NM_000059.4 (MANE Select); coding-DNA positions 9707 to 9715, AAAGGAAGT replaced by CAC.
Protein change: p.Lys3236_Ser3239delinsThrPro.
Molecular consequence: inframe indel.
Genome position (GRCh38, 1-based): chr13:32,398,220-32,398,228, AAAGGAAGT replaced by CAC. VCF-style: chr13-32398220-AAAGGAAGT-CAC. GRCh37 (hg19) VCF-style: chr13-32972357-AAAGGAAGT-CAC.
Other names: c.9707_9715delAAAGGAAGTinsCAC (NM_000059.3).
Identifiers: ClinVar variation 823425 (VCV000823425.7), dbSNP rs1593201696, ClinGen allele CA915948630.